The following is an entry in ClinVar:

ClinVar aggregate classification (germline): Conflicting classifications of pathogenicity. Review status: criteria provided, conflicting classifications (1 of 4 stars). 3 submissions from 3 submitters: Uncertain significance (1); Benign (1). 1 of the submissions does not count toward it. Last evaluated 2025-12-01.

Conditions:
Inborn genetic diseases. Identifiers: MedGen C0950123, MeSH D030342.
EXPH5-related disorder. Also called: EXPH5-related condition.

Allele frequency attached by ClinVar (database versions not stated): gnomAD 0.00027; gnomAD exomes 0.00032; TOPMed 0.00033; ESP Exome Variant Server 0.00046; ExAC 0.00052.
gnomAD v4.1: 514 of 1,607,440 alleles (0.032%); highest among the groups gnomAD compares: Middle Eastern, 0.38%; 5 homozygotes.

Submissions (3):

Labcorp Genetics (formerly Invitae), Labcorp
Classification: Benign. Last evaluated: 2025-12-01. Review status: criteria provided, single submitter. Criteria: Invitae Variant Classification Sherloc (09022015). Collection method: clinical testing. Allele origin: germline.

Ambry Genetics
Classification: Uncertain significance for Inborn genetic diseases. Last evaluated: 2024-03-25. Review status: criteria provided, single submitter. Criteria: Ambry Variant Classification Scheme 2023. Collection method: clinical testing. Allele origin: germline.

PreventionGenetics, part of Exact Sciences
Classification: Likely benign for EXPH5-related condition. Last evaluated: 2024-06-20. Review status: no assertion criteria provided. Collection method: clinical testing. Allele origin: germline. Not counted in ClinVar's aggregate classification.
Comment: This variant is classified as likely benign based on ACMG/AMP sequence variant interpretation guidelines (Richards et al. 2015 PMID: 25741868, with internal and published modifications).

NM_015065.3(EXPH5):c.400T>A (p.Ser134Thr)

Gene: EXPH5 (exophilin 5; minus strand). Cytogenetic location: 11q22.3.
Variant type: single nucleotide variant.
Coding change: c.400T>A on transcript NM_015065.3 (MANE Select); coding-DNA position 400, T replaced by A.
Protein change: p.Ser134Thr; replaces serine 134 with threonine.
Molecular consequence: missense variant.
Genome position (GRCh38, 1-based): chr11:108,539,067, A>T on the plus strand (T>A on the coding strand, the complement: EXPH5 is on the minus strand). VCF-style: chr11-108539067-A-T. GRCh37 (hg19) VCF-style: chr11-108409794-A-T.
Other names: c.172T>A, p.Ser58Thr (NM_001144763.2); c.379T>A, p.Ser127Thr (NM_001308019.2); c.400T>A (NM_015065.2); short protein forms S127T, S58T, S134T.
Identifiers: ClinVar variation 2068896 (VCV002068896.6), dbSNP rs145231502, ClinGen allele CA6268276.